The following is an entry in ClinVar:

ClinVar aggregate classification (germline): Benign. Review status: criteria provided, multiple submitters, no conflicts (2 of 4 stars). 2 submissions from 2 submitters: Benign (2). Last evaluated 2018-06-14.

Allele frequency attached by ClinVar (database versions not stated): 1000 Genomes Project 30x 0.20144; 1000 Genomes Project 0.20547; TOPMed 0.27755; gnomAD 0.27875 and 0.28209; gnomAD exomes 0.35130.
gnomAD v4.1: 510,935 of 1,485,874 alleles (34%); highest among the groups gnomAD compares: Non-Finnish European, 38%; 93,822 homozygotes.

Submissions (2):

GeneDx
Classification: Benign. Last evaluated: 2018-06-14. Review status: criteria provided, single submitter. Criteria: GeneDx Variant Classification (06012015). Collection method: clinical testing. Allele origin: germline. Affected: yes.
Comment: This variant is considered likely benign or benign based on one or more of the following criteria: it is a conservative change, it occurs at a poorly conserved position in the protein, it is predicted to be benign by multiple in silico algorithms, and/or has population frequency not consistent with disease.

Breakthrough Genomics
Classification: Benign. Review status: criteria provided, single submitter. Criteria: ACMG Guidelines, 2015. Collection method: not provided. Allele origin: germline. Inheritance: Autosomal recessive inheritance. Affected: yes.

NM_016156.6(MTMR2):c.1770+59T>G

Gene: MTMR2 (myotubularin related protein 2; minus strand). Cytogenetic location: 11q21.
Variant type: single nucleotide variant.
Coding change: c.1770+59T>G on transcript NM_016156.6 (MANE Select); 59 bases into the intron after coding-DNA position 1770, T replaced by G.
Molecular consequence: intron variant.
Genome position (GRCh38, 1-based): chr11:95,836,089, A>C on the plus strand (T>G on the coding strand, the complement: MTMR2 is on the minus strand). VCF-style: chr11-95836089-A-C. GRCh37 (hg19) VCF-style: chr11-95569253-A-C.
Other names: c.1554+59T>G (NM_201281.3, NM_201278.3, NM_001243571.2).
Identifiers: ClinVar variation 683219 (VCV000683219.2), dbSNP rs627568, ClinGen allele CA13425945.